The following is an entry in ClinVar:

NM_000535.7(PMS2):c.1007T>C (p.Val336Ala)

Gene: PMS2 (PMS1 homolog 2, mismatch repair system component; minus strand). Cytogenetic location: 7p22.1.
Variant type: single nucleotide variant.
Coding change: c.1007T>C on transcript NM_000535.7 (MANE Select); coding-DNA position 1007, T replaced by C.
Protein change: p.Val336Ala; replaces valine 336 with alanine.
Molecular consequence: missense variant. On other transcripts: non-coding transcript variant (1), intron variant (2).
Genome position (GRCh38, 1-based): chr7:5,989,937, A>G on the plus strand (T>C on the coding strand, the complement: PMS2 is on the minus strand). VCF-style: chr7-5989937-A-G. GRCh37 (hg19) VCF-style: chr7-6029568-A-G.
Other names: c.602T>C, p.Val201Ala (NM_001018040.1, NM_001322003.2, NM_001322004.2 and 17 more transcripts); c.689T>C, p.Val230Ala (NM_001322007.2, NM_001322008.2, NM_001406876.1 and 2 more transcripts); c.74T>C, p.Val25Ala (NM_001322011.2, NM_001322012.2); c.434T>C, p.Val145Ala (NM_001322013.2, NM_001406909.1); c.1007T>C, p.Val336Ala (NM_001322014.2, NM_001406871.1, NM_001406872.1); c.698T>C, p.Val233Ala (NM_001322015.2, NM_001406875.1, NM_001406877.1 and 5 more transcripts); c.1193T>C, p.Val398Ala (NM_001406866.1); c.1031T>C, p.Val344Ala (NM_001406868.1); and 9 more; short protein forms V214A, V224A, V300A, V145A, V165A, V201A, V233A, V270A.
Identifiers: ClinVar variation 1788295 (VCV001788295.3), dbSNP rs2128748775, ClinGen allele CA366743002.

ClinVar aggregate classification (germline): Uncertain significance. Review status: criteria provided, multiple submitters, no conflicts (2 of 4 stars). 2 submissions from 2 submitters: Uncertain significance (2). Last evaluated 2022-01-17.

Conditions:
Hereditary cancer-predisposing syndrome. Also called: Hereditary Cancer Syndrome; Hereditary neoplastic syndrome; Neoplastic Syndromes, Hereditary; Tumor predisposition. Identifiers: Orphanet 140162, MedGen C0027672, MeSH D009386, MONDO:0015356.

Submissions (2):

Blueprint Genetics
Classification: Uncertain significance. Last evaluated: 2022-01-17. Review status: criteria provided, single submitter. Criteria: ACMG Guidelines, 2015. Collection method: clinical testing. Allele origin: germline.

Ambry Genetics
Classification: Uncertain significance for Hereditary cancer-predisposing syndrome. Last evaluated: 2020-10-14. Review status: criteria provided, single submitter. Criteria: Ambry Variant Classification Scheme 2023. Collection method: clinical testing. Allele origin: germline.
Comment: The p.V336A variant (also known as c.1007T>C), located in coding exon 10 of the PMS2 gene, results from a T to C substitution at nucleotide position 1007. The valine at codon 336 is replaced by alanine, an amino acid with similar properties. This amino acid position is highly conserved in available vertebrate species. In addition, this alteration is predicted to be deleterious by in silico analysis. Since supporting evidence is limited at this time, the clinical significance of this alteration remains unclear.